The following is an entry in ClinVar:

NM_032387.5(WNK4):c.35T>G (p.Leu12Arg)

Gene: WNK4 (WNK lysine deficient protein kinase 4; plus strand). Cytogenetic location: 17q21.2.
Variant type: single nucleotide variant.
Coding change: c.35T>G on transcript NM_032387.5 (MANE Select); coding-DNA position 35, T replaced by G.
Protein change: p.Leu12Arg; replaces leucine 12 with arginine.
Molecular consequence: missense variant. On other transcripts: 5 prime UTR variant (1).
Genome position (GRCh38, 1-based): chr17:42,780,733, T>G. VCF-style: chr17-42780733-T-G. GRCh37 (hg19) VCF-style: chr17-40932751-T-G.
Other names: c.-885T>G (NM_001321299.2); short protein forms L12R.
Identifiers: ClinVar variation 2014396 (VCV002014396.4), dbSNP rs1384170039, ClinGen allele CA399640716.

ClinVar aggregate classification (germline): Uncertain significance (1 of 4 stars; one submission).

Submission:

Labcorp Genetics (formerly Invitae), Labcorp
Classification: Uncertain significance. Last evaluated: 2022-07-06. Review status: criteria provided, single submitter. Criteria: Invitae Variant Classification Sherloc (09022015). Collection method: clinical testing. Allele origin: germline.
Comment: In summary, the available evidence is currently insufficient to determine the role of this variant in disease. Therefore, it has been classified as a Variant of Uncertain Significance. Advanced modeling of protein sequence and biophysical properties (such as structural, functional, and spatial information, amino acid conservation, physicochemical variation, residue mobility, and thermodynamic stability) performed at Invitae indicates that this missense variant is not expected to disrupt WNK4 protein function. This variant has not been reported in the literature in individuals affected with WNK4-related conditions. This variant is not present in population databases (gnomAD no frequency). This sequence change replaces leucine, which is neutral and non-polar, with arginine, which is basic and polar, at codon 12 of the WNK4 protein (p.Leu12Arg).